The following is an entry in ClinVar:

ClinVar aggregate classification (germline): Pathogenic. Review status: criteria provided, multiple submitters, no conflicts (2 of 4 stars). 2 submissions from 2 submitters: Pathogenic (2). Last evaluated 2025-12-15.

Conditions:
Glycogen storage disease, type IV (GSD4). Also called: AMYLOPECTINOSIS; ANDERSEN DISEASE; BRANCHER DEFICIENCY; CIRRHOSIS, FAMILIAL, WITH DEPOSITION OF ABNORMAL GLYCOGEN; GBE1 DEFICIENCY; GLYCOGEN BRANCHING ENZYME DEFICIENCY. Identifiers: Orphanet 367, MedGen C0017923, MONDO:0009292, OMIM 232500.
Glycogen storage disease IV, classic hepatic. Also called: GSD IV, CLASSIC HEPATIC. Identifiers: MedGen C1856301.

Submissions (2):

Myriad Genetics, Inc.
Classification: Pathogenic for Glycogen storage disease, type IV. Last evaluated: 2025-12-15. Review status: criteria provided, single submitter. Criteria: Myriad Autosomal Dominant, Autosomal Recessive and X-Linked Classification Criteria (2023). Collection method: clinical testing. Allele origin: unknown.
Comment: NM_000158.3(GBE1):c.1126_1127ins41(D376Afs*6) is a frameshift variant classified as pathogenic in the context of glycogen storage disease, GBE1-related. D376Afs*6 has not been observed in cases with relevant disease. Relevant functional assessments of this variant are not available in the literature. D376Afs*6 has not been observed in referenced population frequency databases. In summary, NM_000158.3(GBE1):c.1126_1127ins41(D376Afs*6) is a frameshift variant in a gene where loss of function is a known mechanism of disease and is predicted to disrupt protein function. Please note: this variant was assessed in the context of healthy population screening.

Labcorp Genetics (formerly Invitae), Labcorp
Classification: Pathogenic for Glycogen storage disease, type IV; Glycogen storage disease IV, classic hepatic. Last evaluated: 2024-01-16. Review status: criteria provided, single submitter. Criteria: Invitae Variant Classification Sherloc (09022015). Collection method: clinical testing. Allele origin: germline.
Comment: This sequence change creates a premature translational stop signal (p.Asp376Alafs*6) in the GBE1 gene. It is expected to result in an absent or disrupted protein product. Loss-of-function variants in GBE1 are known to be pathogenic (PMID: 15452297, 20058079). This variant is not present in population databases (gnomAD no frequency). This variant has not been reported in the literature in individuals affected with GBE1-related conditions. ClinVar contains an entry for this variant (Variation ID: 2114164). For these reasons, this variant has been classified as Pathogenic.

Literature cited by the submitters: PubMed 15452297 (cited by Labcorp Genetics (formerly Invitae), Labcorp); PubMed 20058079 (cited by Labcorp Genetics (formerly Invitae), Labcorp).

NM_000158.4(GBE1):c.1126_1127insCGGGAGAAGTAGATTGAAGCCAGTTGATTAGGGTGCTTAGC (p.Asp376delinsAlaGlyGluValAspTer)

Gene: GBE1 (1,4-alpha-glucan branching enzyme 1; minus strand). Cytogenetic location: 3p12.2.
Variant type: Insertion.
Coding change: c.1126_1127insCGGGAGAAGTAGATTGAAGCCAGTTGATTAGGGTGCTTAGC on transcript NM_000158.4 (MANE Select); coding-DNA positions 1126 to 1127, CGGGAGAAGTAGATTGAAGCCAGTTGATTAGGGTGCTTAGC inserted.
Protein change: p.Asp376delinsAlaGlyGluValAspTer.
Molecular consequence: nonsense.
Genome position: GRCh38: chr3:81,591,146-81,591,147. GRCh37 (hg19): chr3:81,640,297-81,640,298.
Identifiers: ClinVar variation 2114164 (VCV002114164.5), dbSNP rs2471740271, ClinGen allele CA2580070454.
Genomic context (GRCh38, chr3:81,591,146, plus strand): 5'-GCCAACATGAGGTAAGTCAAGGCATCTTCATCTACTTGTAGTCCGAAATATTCACTGTAA[T>TGCTAAGCACCCTAATCAACTGGCTTCAATCTACTTCTCCCG]CACCTGAGAAACCTTGACCTTAGAAAAAGAAAATCAATACGGATATATTATGTTAACAAG-3'